The following is an entry in ClinVar:

NM_015692.5(CPAMD8):c.2805C>T (p.Val935=)

Gene: CPAMD8 (C3 and PZP like alpha-2-macroglobulin domain containing 8; minus strand). Cytogenetic location: 19p13.11.
Variant type: single nucleotide variant.
Coding change: c.2805C>T on transcript NM_015692.5 (MANE Select); coding-DNA position 2805, C replaced by T.
Protein change: p.Val935=; no amino-acid change (valine 935 retained).
Molecular consequence: synonymous variant.
Genome position (GRCh38, 1-based): chr19:16,938,435, G>A on the plus strand (C>T on the coding strand, the complement: CPAMD8 is on the minus strand). VCF-style: chr19-16938435-G-A. GRCh37 (hg19) VCF-style: chr19-17049245-G-A.
Identifiers: ClinVar variation 1258680 (VCV001258680.13), dbSNP rs61133226, ClinGen allele CA9285188.

ClinVar aggregate classification (germline): Benign. Review status: criteria provided, multiple submitters, no conflicts (2 of 4 stars). 4 submissions from 4 submitters: Benign (3). 1 of the submissions does not count toward it. Last evaluated 2026-01-09.

Conditions:
CPAMD8-related disorder. Also called: CPAMD8-related condition.

Allele frequency attached by ClinVar (database versions not stated): ESP Exome Variant Server 0.04841; gnomAD exomes 0.01426; ExAC 0.02141; gnomAD 0.04927 and 0.05189; 1000 Genomes Project 30x 0.06699; TOPMed 0.05528; 1000 Genomes Project 0.06370.
gnomAD v4.1: 16,186 of 1,576,186 alleles (1%); highest among the groups gnomAD compares: African/African-American, 16%; 1,072 homozygotes.

Submissions (4):

Labcorp Genetics (formerly Invitae), Labcorp
Classification: Benign. Last evaluated: 2026-01-09. Review status: criteria provided, single submitter. Criteria: Invitae Variant Classification Sherloc (09022015). Collection method: clinical testing. Allele origin: germline.

GeneDx
Classification: Benign. Last evaluated: 2021-05-04. Review status: criteria provided, single submitter. Criteria: GeneDx Variant Classification Process June 2021. Collection method: clinical testing. Allele origin: germline. Affected: yes.

Breakthrough Genomics
Classification: Benign. Review status: criteria provided, single submitter. Criteria: ACMG Guidelines, 2015. Collection method: not provided. Allele origin: germline. Inheritance: Autosomal recessive inheritance. Affected: yes.

PreventionGenetics, part of Exact Sciences
Classification: Benign for CPAMD8-related condition. Last evaluated: 2019-10-28. Review status: no assertion criteria provided. Collection method: clinical testing. Allele origin: germline. Not counted in ClinVar's aggregate classification.
Comment: This variant is classified as benign based on ACMG/AMP sequence variant interpretation guidelines (Richards et al. 2015 PMID: 25741868, with internal and published modifications).